The following is an entry in ClinVar:

ClinVar aggregate classification (germline): Uncertain significance (1 of 4 stars; one submission).

Conditions:
Malignant hyperthermia, susceptibility to, 1 (MHS1). Also called: Anesthesia related hyperthermia; Malignant hyperpyrexia; Fulminating hyperpyrexia; Pharmacogenic myopathy; RYR1-Related Malignant Hyperthermia Susceptibility; Malignant hyperthermia suceptibility 1. Identifiers: Orphanet 423, MedGen C2930980, MONDO:0007783, OMIM 145600.

Submission:

All of Us Research Program, National Institutes of Health
Classification: Uncertain significance for Malignant hyperthermia, susceptibility to, 1. Last evaluated: 2023-06-26. Review status: criteria provided, single submitter. Criteria: ACMG Guidelines, 2015. Collection method: clinical testing. Allele origin: germline. Inheritance: Autosomal dominant inheritance. Observed: 1 variant allele, 1 heterozygote.
Comment: This variant causes a T to A nucleotide substitution at the +2 position of intron 42 of the RYR1 gene. Splice site prediction tools suggest that this variant may have a significant impact on RNA splicing. Although this prediction has not been confirmed in published RNA studies, this variant is expected to result in an absent or disrupted protein product. This variant has not been reported in individuals affected with RYR1-related disorders in the literature. Loss of RYR1 function due to haploinsufficiency is associated with congenital myopathy, but it is not an established disease mechanism for autosomal dominant malignant hyperthermia susceptibility. This variant has not been identified in the general population by the Genome Aggregation Database (gnomAD). The available evidence is insufficient to determine the role of this variant in disease conclusively. Due to insufficient evidence, this variant is classified as a Variant of Uncertain Significance for autosomal dominant malignant hyperthermia.

This study involves interpretation of variants in research participants for the purpose of population health screening. Participant phenotype was not available at the time of variant classification. Additional details can be found in publication PMID: 35346344, PMCID: PMC8962531

NM_000540.3(RYR1):c.6891+2T>A

Gene: RYR1 (ryanodine receptor 1; plus strand). Cytogenetic location: 19q13.2.
Variant type: single nucleotide variant.
Coding change: c.6891+2T>A on transcript NM_000540.3 (MANE Select); the canonical splice donor site of the intron after coding-DNA position 6891, T replaced by A.
Molecular consequence: splice donor variant.
Genome position (GRCh38, 1-based): chr19:38,496,956, T>A. VCF-style: chr19-38496956-T-A. GRCh37 (hg19) VCF-style: chr19-38987596-T-A.
Other names: c.6891+2T>A (NM_001042723.2).
Identifiers: ClinVar variation 3072207 (VCV003072207.1), dbSNP rs1455553231, ClinGen allele CA405666684.
Genomic context (GRCh38, chr19:38,496,956, plus strand): 5'-CCTCCGTCATTGACAACAATGAGCTGGCCTTGGCATTGCAGGAGCAGGACCTGGAAAAGG[T>A]GTGGAGGGCAGGGCTGGGCCCCAGGCCTAAGGGAGGAAATCGGGCCGCTACCCGGCTGCT-3'